The following is an entry in ClinVar:

ClinVar aggregate classification (germline): Uncertain significance. Review status: criteria provided, multiple submitters, no conflicts (2 of 4 stars). 3 submissions from 3 submitters: Uncertain significance (3). Last evaluated 2024-06-21.

Conditions:
Dilated cardiomyopathy 1AA (CMD1AA). Also called: Cardiomyopathy, dilated, 1AA, with or without LVNC; CARDIOMYOPATHY, DILATED, 1AA, WITH OR WITHOUT LEFT VENTRICULAR NONCOMPACTION; CARDIOMYOPATHY, FAMILIAL HYPERTROPHIC, 23, WITH OR WITHOUT LEFT VENTRICULAR NONCOMPACTION. Identifiers: Orphanet 154, MedGen C2677338, MONDO:0012808, OMIM 612158.
Primary familial hypertrophic cardiomyopathy (HCM). Identifiers: Orphanet 99739, MedGen C0949658, MeSH D024741, MONDO:0024573. Inheritance: Various modes of inheritance.
Cardiovascular phenotype. Identifiers: MedGen CN230736.

Allele frequency attached by ClinVar (database versions not stated): gnomAD exomes below 0.00001; gnomAD 0.00001; TOPMed 0.00001; ESP Exome Variant Server 0.00008.
gnomAD v4.1: 3 of 1,614,050 alleles (0.00019%); highest among the groups gnomAD compares: African/African-American, 0.0013%; no homozygotes.

Submissions (3):

Ambry Genetics
Classification: Uncertain significance for Cardiovascular phenotype. Last evaluated: 2024-06-21. Review status: criteria provided, single submitter. Criteria: Ambry Variant Classification Scheme 2023. Collection method: clinical testing. Allele origin: germline.
Comment: The p.G871V variant (also known as c.2612G>T), located in coding exon 21 of the ACTN2 gene, results from a G to T substitution at nucleotide position 2612. The glycine at codon 871 is replaced by valine, an amino acid with dissimilar properties. This amino acid position is conserved. In addition, this alteration is predicted to be deleterious by in silico analysis. Based on the available evidence, the clinical significance of this variant remains unclear.

Labcorp Genetics (formerly Invitae), Labcorp
Classification: Uncertain significance for Primary familial hypertrophic cardiomyopathy; Dilated cardiomyopathy 1AA. Last evaluated: 2022-02-22. Review status: criteria provided, single submitter. Criteria: Invitae Variant Classification Sherloc (09022015). Collection method: clinical testing. Allele origin: germline.
Comment: In summary, the available evidence is currently insufficient to determine the role of this variant in disease. Therefore, it has been classified as a Variant of Uncertain Significance. Algorithms developed to predict the effect of missense changes on protein structure and function (SIFT, PolyPhen-2, Align-GVGD) all suggest that this variant is likely to be disruptive. ClinVar contains an entry for this variant (Variation ID: 201654). This variant has not been reported in the literature in individuals affected with ACTN2-related conditions. This variant is not present in population databases (gnomAD no frequency). This sequence change replaces glycine, which is neutral and non-polar, with valine, which is neutral and non-polar, at codon 871 of the ACTN2 protein (p.Gly871Val).

GeneDx
Classification: Uncertain significance. Last evaluated: 2014-10-27. Review status: criteria provided, single submitter. Criteria: GeneDx Variant Classification (06012015). Collection method: clinical testing. Allele origin: germline. Affected: yes.
Comment: A variant of unknown significance has been identified in the ACTN2 gene. The G871V variant has not been published as a mutation, nor has it been reported as a benign polymorphism to our knowledge. The G871V variant was not observed with any significant frequency in approximately 6,500 individuals of European and African American ancestry in the NHLBI Exome Sequencing Project, indicating it is not a common benign variant in these populations. Although the G871V variant is a conservative amino acid substitution, which is not likely to impact secondary protein structure as these residues share similar properties, this substitution occurs at a position that is highly conserved across species. Consequently, in silico analysis predicts this variant is probably damaging to the protein structure/function. Nevertheless, no missense mutations in nearby residues have been published, suggesting this region of the protein may be tolerant of change. The variant is found in DCM-CRDM panel(s).

NM_001103.4(ACTN2):c.2612G>T (p.Gly871Val)

Gene: ACTN2 (actinin alpha 2; plus strand). Cytogenetic location: 1q43.
Variant type: single nucleotide variant.
Coding change: c.2612G>T on transcript NM_001103.4 (MANE Select); coding-DNA position 2612, G replaced by T.
Protein change: p.Gly871Val; replaces glycine 871 with valine.
Molecular consequence: missense variant.
Genome position (GRCh38, 1-based): chr1:236,762,546, G>T. VCF-style: chr1-236762546-G-T. GRCh37 (hg19) VCF-style: chr1-236925846-G-T.
Other names: p.G871V:GGC>GTC; c.2612G>T, p.Gly871Val (NM_001278343.2); c.1988G>T, p.Gly663Val (NM_001278344.2); short protein forms G871V, G663V.
Identifiers: ClinVar variation 201654 (VCV000201654.8), dbSNP rs370341149, ClinGen allele CA335056.